The following is an entry in ClinVar:

NM_000103.4(CYP19A1):c.146-2A>G

Genes: CYP19A1 (cytochrome P450 family 19 subfamily A member 1; minus strand), MIR4713HG (MIR4713 host gene; plus strand), PIRC66 (piwi-interacting RNA cluster 66; plus strand). Cytogenetic location: 15q21.2.
Variant type: single nucleotide variant.
Coding change: c.146-2A>G on transcript NM_000103.4 (MANE Select); the canonical splice acceptor site of the intron before coding-DNA position 146, A replaced by G.
Molecular consequence: splice acceptor variant.
Genome position (GRCh38, 1-based): chr15:51,237,011, T>C on the plus strand (A>G on the coding strand, the complement: CYP19A1 is on the minus strand). VCF-style: chr15-51237011-T-C. GRCh37 (hg19) VCF-style: chr15-51529208-T-C.
Other names: c.146-2A>G (NM_031226.3, NM_001347248.1, NM_001347249.2 and 7 more transcripts).
Identifiers: ClinVar variation 2012702 (VCV002012702.5), dbSNP rs2542466633, ClinGen allele CA392422535.
Genomic context (GRCh38, chr15:51,237,011, plus strand): 5'-CATCCACAGGAATCTGCCGTGGGAGATGAGGGGTCCAATTCCCATGCAGTAGCCAGGACC[T>C]AGGACAGGTGTCAGAGCATAAGCAACATCTTAGTTACACCAAAAATTGCAACTGTTTTGT-3'

ClinVar aggregate classification (germline): Likely pathogenic (1 of 4 stars; one submission).

Conditions:
Aromatase excess syndrome (AEXS). Also called: AROMATASE ACTIVITY, INCREASED; GYNECOMASTIA, HEREDITARY; Familial gynecomastia, due to increased aromatase activity. Identifiers: Orphanet 178345, MedGen C1970109, MONDO:0007690, OMIM 139300.
Aromatase deficiency. Also called: Increased aromatase activity; PSEUDOHERMAPHRODITISM, FEMALE, DUE TO PLACENTAL AROMATASE DEFICIENCY. Identifiers: Orphanet 91, MedGen C1960539, MONDO:0013301, OMIM 613546.

Submission:

Labcorp Genetics (formerly Invitae), Labcorp
Classification: Likely pathogenic. Last evaluated: 2022-07-01. Review status: criteria provided, single submitter. Criteria: Invitae Variant Classification Sherloc (09022015). Collection method: clinical testing. Allele origin: germline.
Comment: This variant has not been reported in the literature in individuals affected with CYP19A1-related conditions. In summary, the currently available evidence indicates that the variant is pathogenic, but additional data are needed to prove that conclusively. Therefore, this variant has been classified as Likely Pathogenic. Algorithms developed to predict the effect of sequence changes on RNA splicing suggest that this variant may disrupt the consensus splice site. This variant is not present in population databases (gnomAD no frequency). This sequence change affects an acceptor splice site in intron 3 of the CYP19A1 gene. It is expected to disrupt RNA splicing. Variants that disrupt the donor or acceptor splice site typically lead to a loss of protein function (PMID: 16199547), and loss-of-function variants in CYP19A1 are known to be pathogenic (PMID: 14602738, 27086564, 27256151).

Literature cited by the submitters: PubMed 16199547 (cited by Labcorp Genetics (formerly Invitae), Labcorp); PubMed 14602738 (cited by Labcorp Genetics (formerly Invitae), Labcorp); PubMed 27086564 (cited by Labcorp Genetics (formerly Invitae), Labcorp); PubMed 27256151 (cited by Labcorp Genetics (formerly Invitae), Labcorp).